The following is an entry in ClinVar:

NM_001128840.3(CACNA1D):c.6356T>C (p.Val2119Ala)

Gene: CACNA1D (calcium voltage-gated channel subunit alpha1 D; plus strand). Cytogenetic location: 3p21.1.
Variant type: single nucleotide variant.
Coding change: c.6356T>C on transcript NM_001128840.3 (MANE Select); coding-DNA position 6356, T replaced by C.
Protein change: p.Val2119Ala; replaces valine 2119 with alanine.
Molecular consequence: missense variant.
Genome position (GRCh38, 1-based): chr3:53,811,276, T>C. VCF-style: chr3-53811276-T-C. GRCh37 (hg19) VCF-style: chr3-53845303-T-C.
Other names: c.6416T>C, p.Val2139Ala (NM_000720.4); c.6284T>C, p.Val2095Ala (NM_001128839.3); short protein forms V2095A, V2119A, V2139A.
Identifiers: ClinVar variation 4882162 (VCV004882162.2).
Genomic context (GRCh38, chr3:53,811,276, plus strand): 5'-TGGAGAGTGCAGCCAGCACCCTGCTTAATGGGAACGTGCGTCCCCGAGCCAACGGGGATG[T>C]GGGCCCCCTCTCACACCGGCAGGACTATGAGCTACAGGACTTTGGTCCTGGCTACAGCGA-3'
Protein context (NP_001122312.1, residues 2109-2129): GNVRPRANGD[Val2119Ala]GPLSHRQDYE

ClinVar aggregate classification (germline): Uncertain significance (1 of 4 stars; one submission).

Conditions:
Aldosterone-producing adenoma with seizures and neurological abnormalities. Also called: Primary aldosteronism, seizures, and neurologic abnormalities. Identifiers: Orphanet 369929, MedGen C3809609, MONDO:0014200, OMIM 615474.

Submission:

Dasa
Classification: Uncertain significance for Aldosterone-producing adenoma with seizures and neurological abnormalities. Last evaluated: 2025-10-31. Review status: criteria provided, single submitter. Criteria: DASA Assertion Criteria. Collection method: clinical testing. Allele origin: germline.
Comment: NM_001128840.3(CACNA1D):c.6356T>C (p.Val2119Ala) is a missense variant that results in the substitution of valine with alanine. This variant is absent from population databases. Computational prediction algorithms are consistent with a benign effect. The currently available literature and clinical evidence are not sufficient to establish a definitive association between this variant and the reported condition. Therefore, this variant is classified as a variant of uncertain significance.